The following is an entry in ClinVar:

NM_005359.6(SMAD4):c.1349A>G (p.Gln450Arg)

Gene: SMAD4 (SMAD family member 4; plus strand). Cytogenetic location: 18q21.2.
Variant type: single nucleotide variant.
Coding change: c.1349A>G on transcript NM_005359.6 (MANE Select); coding-DNA position 1349, A replaced by G.
Protein change: p.Gln450Arg; replaces glutamine 450 with arginine.
Molecular consequence: missense variant.
Genome position (GRCh38, 1-based): chr18:51,076,678, A>G. VCF-style: chr18-51076678-A-G. GRCh37 (hg19) VCF-style: chr18-48603048-A-G.
Other names: c.1349A>G, p.Gln450Arg (NM_001407041.1, NM_001407042.1); short protein forms Q450R.
Identifiers: ClinVar variation 4044410 (VCV004044410.1).

ClinVar aggregate classification (germline): Uncertain significance (1 of 4 stars; one submission).

Conditions:
Familial thoracic aortic aneurysm and aortic dissection (TAAD). Also called: Thoracic aortic aneurysms and dissections. Identifiers: Orphanet 91387, MedGen C4707243, MONDO:0019625.
Hereditary cancer-predisposing syndrome. Also called: Neoplastic Syndromes, Hereditary; Tumor predisposition; Hereditary neoplastic syndrome; Hereditary Cancer Syndrome. Identifiers: Orphanet 140162, MedGen C0027672, MeSH D009386, MONDO:0015356.

gnomAD v4.1: 1 of 1,613,172 alleles (0.000062%); highest among the groups gnomAD compares: East Asian, 0.0022%; no homozygotes.

Submission:

Ambry Genetics
Classification: Uncertain significance for Hereditary cancer-predisposing syndrome; Familial thoracic aortic aneurysm and aortic dissection. Last evaluated: 2025-05-02. Review status: criteria provided, single submitter. Criteria: Ambry Variant Classification Scheme 2023. Collection method: clinical testing. Allele origin: germline.
Comment: The p.Q450R variant (also known as c.1349A>G), located in coding exon 10 of the SMAD4 gene, results from an A to G substitution at nucleotide position 1349. The glutamine at codon 450 is replaced by arginine, an amino acid with highly similar properties. This amino acid position is conserved. In addition, this alteration is predicted to be deleterious by in silico analysis. Based on the available evidence, the clinical significance of this variant remains unclear.